The following is an entry in ClinVar:

ClinVar aggregate classification (germline): Uncertain significance. Review status: criteria provided, single submitter (1 of 4 stars). 2 submissions from 2 submitters: Uncertain significance (1). 1 of the submissions does not count toward it. Last evaluated 2022-02-03.

Conditions:
Usher syndrome type 2A. Also called: RETINAL DISEASE IN USHER SYNDROME TYPE IIA, MODIFIER OF; USHER SYNDROME, TYPE IIA. Identifiers: Orphanet 231178, Orphanet 886, MedGen C1848634, MONDO:0010169, OMIM 276901.

Allele frequency attached by ClinVar (database versions not stated): gnomAD 0.00001; TOPMed 0.00002.
gnomAD v4.1: 5 of 1,613,730 alleles (0.00031%); highest among the groups gnomAD compares: African/African-American, 0.0067%; no homozygotes.

Submissions (2):

Labcorp Genetics (formerly Invitae), Labcorp
Classification: Uncertain significance. Last evaluated: 2022-02-03. Review status: criteria provided, single submitter. Criteria: Invitae Variant Classification Sherloc (09022015). Collection method: clinical testing. Allele origin: germline.
Comment: This sequence change replaces glutamine, which is neutral and polar, with leucine, which is neutral and non-polar, at codon 2340 of the USH2A protein (p.Gln2340Leu). This variant is present in population databases (no rsID available, gnomAD 0.01%). This variant has not been reported in the literature in individuals affected with USH2A-related conditions. ClinVar contains an entry for this variant (Variation ID: 961432). Algorithms developed to predict the effect of missense changes on protein structure and function are either unavailable or do not agree on the potential impact of this missense change (SIFT: "Deleterious"; PolyPhen-2: "Benign"; Align-GVGD: "Class C25"). In summary, the available evidence is currently insufficient to determine the role of this variant in disease. Therefore, it has been classified as a Variant of Uncertain Significance.

Natera, Inc.
Classification: Uncertain significance for Usher syndrome type 2A. Last evaluated: 2021-03-02. Review status: no assertion criteria provided. Collection method: clinical testing. Allele origin: germline. Not counted in ClinVar's aggregate classification.

NM_206933.4(USH2A):c.7019A>T (p.Gln2340Leu)

Gene: USH2A (usherin; minus strand). Cytogenetic location: 1q41.
Variant type: single nucleotide variant.
Coding change: c.7019A>T on transcript NM_206933.4 (MANE Select); coding-DNA position 7019, A replaced by T.
Protein change: p.Gln2340Leu; replaces glutamine 2340 with leucine.
Molecular consequence: missense variant.
Genome position (GRCh38, 1-based): chr1:215,965,418, T>A on the plus strand (A>T on the coding strand, the complement: USH2A is on the minus strand). VCF-style: chr1-215965418-T-A. GRCh37 (hg19) VCF-style: chr1-216138760-T-A.
Other names: short protein forms Q2340L.
Identifiers: ClinVar variation 961432 (VCV000961432.8), dbSNP rs751937450, ClinGen allele CA37450236.